The following is an entry in ClinVar:

NM_000051.4(ATM):c.5913G>T (p.Glu1971Asp)

Genes: ATM (ATM serine/threonine kinase; plus strand), C11orf65 (chromosome 11 open reading frame 65; minus strand). Cytogenetic location: 11q22.3.
Variant type: single nucleotide variant.
Coding change: c.5913G>T on transcript NM_000051.4 (MANE Select); coding-DNA position 5913, G replaced by T.
Protein change: p.Glu1971Asp; replaces glutamic acid 1971 with aspartic acid.
Molecular consequence: missense variant. On other transcripts: intron variant (2).
Genome position (GRCh38, 1-based): chr11:108,310,310, G>T. VCF-style: chr11-108310310-G-T. GRCh37 (hg19) VCF-style: chr11-108181037-G-T.
Other names: c.5913G>T, p.Glu1971Asp (NM_001351834.2); c.641-1239C>A (NM_001330368.2); c.*39-1239C>A (NM_001351110.2); short protein forms E1971D.
Identifiers: ClinVar variation 1001474 (VCV001001474.9), dbSNP rs2084040593, ClinGen allele CA382548603.

ClinVar aggregate classification (germline): Uncertain significance (1 of 4 stars; one submission).

Conditions:
Ataxia-telangiectasia syndrome (AT). Also called: Ataxia-telangiectasia, complementation group D; AT, COMPLEMENTATION GROUP C; ATAXIA-TELANGIECTASIA, COMPLEMENTATION GROUP A; ATAXIA-TELANGIECTASIA, FRESNO VARIANT; Ataxia-telangiectasia; Ataxia telangiectasia (A-T). Identifiers: Orphanet 100, MedGen C0004135, MONDO:0008840, OMIM 208900.

Submission:

Labcorp Genetics (formerly Invitae), Labcorp
Classification: Uncertain significance for Ataxia-telangiectasia syndrome. Last evaluated: 2020-04-20. Review status: criteria provided, single submitter. Criteria: Invitae Variant Classification Sherloc (09022015). Collection method: clinical testing. Allele origin: germline.
Comment: In summary, the available evidence is currently insufficient to determine the role of this variant in disease. Therefore, it has been classified as a Variant of Uncertain Significance. Algorithms developed to predict the effect of missense changes on protein structure and function output the following: SIFT: "Tolerated"; PolyPhen-2: "Benign"; Align-GVGD: "Class C0". The aspartic acid amino acid residue is found in multiple mammalian species, suggesting that this missense change does not adversely affect protein function. These predictions have not been confirmed by published functional studies and their clinical significance is uncertain. This variant has not been reported in the literature in individuals with ATM-related conditions. This variant is not present in population databases (ExAC no frequency). This sequence change replaces glutamic acid with aspartic acid at codon 1971 of the ATM protein (p.Glu1971Asp). The glutamic acid residue is weakly conserved and there is a small physicochemical difference between glutamic acid and aspartic acid.